The following is an entry in ClinVar:

NM_002474.3(MYH11):c.2139G>A (p.Gln713=)

Gene: MYH11 (myosin heavy chain 11; minus strand). Cytogenetic location: 16p13.11.
Variant type: single nucleotide variant.
Coding change: c.2139G>A on transcript NM_002474.3 (MANE Select); coding-DNA position 2139, G replaced by A.
Protein change: p.Gln713=; no amino-acid change (glutamine 713 retained).
Molecular consequence: synonymous variant.
Genome position (GRCh38, 1-based): chr16:15,748,088, C>T on the plus strand (G>A on the coding strand, the complement: MYH11 is on the minus strand). VCF-style: chr16-15748088-C-T. GRCh37 (hg19) VCF-style: chr16-15841945-C-T.
Other names: c.2160G>A, p.Gln720= (NM_001040113.2, NM_001040114.2); c.2139G>A, p.Gln713= (NM_022844.3).
Identifiers: ClinVar variation 3072442 (VCV003072442.1), dbSNP rs779897931, ClinGen allele CA493792448.

ClinVar aggregate classification (germline): Likely benign (1 of 4 stars; one submission).

Conditions:
Familial thoracic aortic aneurysm and aortic dissection (TAAD). Also called: Thoracic aortic aneurysms and dissections. Identifiers: Orphanet 91387, MedGen C4707243, MONDO:0019625.

Submission:

All of Us Research Program, National Institutes of Health
Classification: Likely benign for Familial thoracic aortic aneurysm and aortic dissection. Last evaluated: 2023-07-10. Review status: criteria provided, single submitter. Criteria: ACMG Guidelines, 2015. Collection method: clinical testing. Allele origin: germline. Inheritance: Autosomal dominant inheritance. Observed: 1 variant allele, 1 heterozygote.
Comment: This study involves interpretation of variants in research participants for the purpose of population health screening. Participant phenotype was not available at the time of variant classification. Additional details can be found in publication PMID: 35346344, PMCID: PMC8962531